The following is an entry in ClinVar:

NM_001378452.1(ITPR1):c.3909G>C (p.Gln1303His)

Gene: ITPR1 (inositol 1,4,5-trisphosphate receptor type 1; plus strand). Cytogenetic location: 3p26.1.
Variant type: single nucleotide variant.
Coding change: c.3909G>C on transcript NM_001378452.1 (MANE Select); coding-DNA position 3909, G replaced by C.
Protein change: p.Gln1303His; replaces glutamine 1303 with histidine.
Molecular consequence: missense variant.
Genome position (GRCh38, 1-based): chr3:4,691,224, G>C. VCF-style: chr3-4691224-G-C. GRCh37 (hg19) VCF-style: chr3-4732908-G-C.
Other names: c.3882G>C, p.Gln1294His (NM_001099952.4); c.3864G>C, p.Gln1288His (NM_001168272.2); c.3837G>C, p.Gln1279His (NM_002222.7); short protein forms Q1279H, Q1288H, Q1294H, Q1303H.
Identifiers: ClinVar variation 3372305 (VCV003372305.1).
Genomic context (GRCh38, chr3:4,691,224, plus strand): 5'-GCAGCACATCTTCATGAACAATTTCCAGCTTTGCAGTGAGATCAACGAGAGAGTTGTTCA[G>C]CACTTCGTTCACTGCATAGAGACTCACGGTCGGAATGTCCAGTATATAAAGTTCTTACAG-3'
Protein context (NP_001365381.1, residues 1293-1313): LCSEINERVV[Gln1303His]HFVHCIETHG

ClinVar aggregate classification (germline): Uncertain significance (1 of 4 stars; one submission).

Submission:

GeneDx
Classification: Uncertain significance. Last evaluated: 2024-04-11. Review status: criteria provided, single submitter. Criteria: GeneDx Variant Classification Process June 2021. Collection method: clinical testing. Allele origin: germline. Affected: yes.
Comment: Not observed at significant frequency in large population cohorts (gnomAD); In silico analysis supports that this missense variant has a deleterious effect on protein structure/function; Has not been previously published as pathogenic or benign to our knowledge